The following is an entry in ClinVar:

NM_172362.3(KCNH1):c.2858A>G (p.Glu953Gly)

Gene: KCNH1 (potassium voltage-gated channel subfamily H member 1; minus strand). Cytogenetic location: 1q32.2.
Variant type: single nucleotide variant.
Coding change: c.2858A>G on transcript NM_172362.3 (MANE Select); coding-DNA position 2858, A replaced by G.
Protein change: p.Glu953Gly; replaces glutamic acid 953 with glycine.
Molecular consequence: missense variant.
Genome position (GRCh38, 1-based): chr1:210,683,393, T>C on the plus strand (A>G on the coding strand, the complement: KCNH1 is on the minus strand). VCF-style: chr1-210683393-T-C. GRCh37 (hg19) VCF-style: chr1-210856735-T-C.
Other names: c.2777A>G, p.Glu926Gly (NM_002238.4); short protein forms E926G, E953G.
Identifiers: ClinVar variation 3633718 (VCV003633718.2).

ClinVar aggregate classification (germline): Uncertain significance (1 of 4 stars; one submission).

Submission:

Labcorp Genetics (formerly Invitae), Labcorp
Classification: Uncertain significance. Last evaluated: 2025-01-08. Review status: criteria provided, single submitter. Criteria: Invitae Variant Classification Sherloc (09022015). Collection method: clinical testing. Allele origin: germline.
Comment: This sequence change replaces glutamic acid, which is acidic and polar, with glycine, which is neutral and non-polar, at codon 953 of the KCNH1 protein (p.Glu953Gly). This variant is not present in population databases (gnomAD no frequency). This variant has not been reported in the literature in individuals affected with KCNH1-related conditions. Invitae Evidence Modeling of protein sequence and biophysical properties (such as structural, functional, and spatial information, amino acid conservation, physicochemical variation, residue mobility, and thermodynamic stability) has been performed for this missense variant. However, the output from this modeling did not meet the statistical confidence thresholds required to predict the impact of this variant on KCNH1 protein function. In summary, the available evidence is currently insufficient to determine the role of this variant in disease. Therefore, it has been classified as a Variant of Uncertain Significance.